The following is an entry in ClinVar:

ClinVar aggregate classification (germline): Uncertain significance (1 of 4 stars; one submission).

Allele frequency attached by ClinVar (database versions not stated): gnomAD 0.00001; ExAC 0.00010.
gnomAD v4.1: 21 of 1,613,858 alleles (0.0013%); highest among the groups gnomAD compares: East Asian, 0.047%; no homozygotes.

Submission:

Labcorp Genetics (formerly Invitae), Labcorp
Classification: Uncertain significance. Last evaluated: 2024-10-12. Review status: criteria provided, single submitter. Criteria: Invitae Variant Classification Sherloc (09022015). Collection method: clinical testing. Allele origin: germline.
Comment: This sequence change replaces threonine, which is neutral and polar, with serine, which is neutral and polar, at codon 6 of the KLF1 protein (p.Thr6Ser). This variant is present in population databases (rs767960054, gnomAD 0.1%). This variant has not been reported in the literature in individuals affected with KLF1-related conditions. Invitae Evidence Modeling of protein sequence and biophysical properties (such as structural, functional, and spatial information, amino acid conservation, physicochemical variation, residue mobility, and thermodynamic stability) indicates that this missense variant is not expected to disrupt KLF1 protein function with a negative predictive value of 80%. In summary, the available evidence is currently insufficient to determine the role of this variant in disease. Therefore, it has been classified as a Variant of Uncertain Significance.

NM_006563.5(KLF1):c.16A>T (p.Thr6Ser)

Genes: KLF1 (KLF transcription factor 1; minus strand), LOC117125592 (CRISPRi-FlowFISH-validated CALR, DHPS, JUNB, PRDX2, RAD23A, RNASEH2A and WDR83OS regulatory element; plus strand). Cytogenetic location: 19p13.13.
Variant type: single nucleotide variant.
Coding change: c.16A>T on transcript NM_006563.5 (MANE Select); coding-DNA position 16, A replaced by T.
Protein change: p.Thr6Ser; replaces threonine 6 with serine.
Molecular consequence: missense variant.
Genome position (GRCh38, 1-based): chr19:12,887,125, T>A on the plus strand (A>T on the coding strand, the complement: KLF1 is on the minus strand). VCF-style: chr19-12887125-T-A. GRCh37 (hg19) VCF-style: chr19-12997939-T-A.
Other names: short protein forms T6S.
Identifiers: ClinVar variation 2885152 (VCV002885152.3), dbSNP rs767960054, ClinGen allele CA9234140.
Genomic context (GRCh38, chr19:12,887,125, plus strand): 5'-CATCCTGTGTGTCCGGGAAGGGGCCCAGGGCGGTCAGTGTGCTGATGGAGGGCAAGGCGG[T>A]CTCGGCTGTGGCCATGGCTGGCTGGTGCCCACCCTGGGCCTCAAGCCTCCTCTTCCTCGG-3'
Protein context (NP_006554.1, residues 1-16): MATAE[Thr6Ser]ALPSISTLTA